The following is an entry in ClinVar:

NM_182961.4(SYNE1):c.6144del (p.Asp2049fs)

Gene: SYNE1 (spectrin repeat containing nuclear envelope protein 1; minus strand). Cytogenetic location: 6q25.2.
Variant type: Deletion.
Coding change: c.6144del on transcript NM_182961.4 (MANE Select); coding-DNA position 6144, one base deleted (A; older notation c.6144delA).
Protein change: p.Asp2049fs; shifts the reading frame from aspartic acid 2049.
Molecular consequence: frameshift variant.
Genome position (GRCh38, 1-based): chr6:152,413,438, T deleted on the plus strand (A on the coding strand, the reverse complement: SYNE1 is on the minus strand); the first of 3 consecutive T bases (chr6:152,413,438-152,413,440); deleting any one gives the same sequence. VCF-style (leftmost placement, unchanged base first): chr6-152413437-CT-C. GRCh37 (hg19) VCF-style: chr6-152734572-CT-C.
Other names: p.Asp2056Metfs*2; c.6163delA, p.Asp2056Metfs (NM_033071.3); c.6165del, p.Asp2056fs (NM_033071.5); short protein forms D2049fs, D2056fs.
Identifiers: ClinVar variation 3381017 (VCV003381017.1).
Genomic context (GRCh38, chr6:152,413,437, plus strand): 5'-CATCCCAGGTGACCTCTAAGCGGTTTATCTCCCTGTCAACTTCAGGTGCAAAAGCTACAT[CT>C]TTCTGGGCAATTTGCTTGGCTTTGTCTTTCAACCAACATAGTTCATGCTCGTGAGAATTC-3'

ClinVar aggregate classification (germline): Likely pathogenic (1 of 4 stars; one submission).

Submission:

Mayo Clinic Laboratories, Mayo Clinic
Classification: Likely pathogenic. Last evaluated: 2023-10-10. Review status: criteria provided, single submitter. Criteria: ACMG Guidelines, 2015. Collection method: clinical testing. Allele origin: germline. Observed: 1 variant allele.
Comment: PM2_moderate, PVS1